The following is an entry in ClinVar:

NM_000222.3(KIT):c.2523T>C (p.Ile841=)

Gene: KIT (KIT proto-oncogene, receptor tyrosine kinase; plus strand). Cytogenetic location: 4q12.
Variant type: single nucleotide variant.
Coding change: c.2523T>C on transcript NM_000222.3 (MANE Select); coding-DNA position 2523, T replaced by C.
Protein change: p.Ile841=; no amino-acid change (isoleucine 841 retained).
Molecular consequence: synonymous variant.
Genome position (GRCh38, 1-based): chr4:54,736,536, T>C. VCF-style: chr4-54736536-T-C. GRCh37 (hg19) VCF-style: chr4-55602702-T-C.
Other names: c.2511T>C, p.Ile837= (NM_001093772.2, NM_001385292.1); c.2526T>C, p.Ile842= (NM_001385284.1); c.2520T>C, p.Ile840= (NM_001385285.1); c.2508T>C, p.Ile836= (NM_001385286.1); c.2514T>C, p.Ile838= (NM_001385288.1); c.2523T>C, p.Ile841= (NM_001385290.1).
Identifiers: ClinVar variation 3230671 (VCV003230671.2), dbSNP rs2109811149, ClinGen allele CA439292048.

ClinVar aggregate classification (germline): Benign/Likely benign. Review status: criteria provided, multiple submitters, no conflicts (2 of 4 stars). 2 submissions from 2 submitters: Benign (1); Likely benign (1). Last evaluated 2026-06-05.

Conditions:
Gastrointestinal stromal tumor. Also called: Gastrointestinal stromal tumor, somatic; Gastrointestinal stroma tumor. Identifiers: Orphanet 44890, MedGen C0238198, MeSH D046152, MONDO:0011719, OMIM 606764, HP:0100723.
Hereditary cancer-predisposing syndrome. Also called: Neoplastic Syndromes, Hereditary; Tumor predisposition; Hereditary Cancer Syndrome; Hereditary neoplastic syndrome. Identifiers: Orphanet 140162, MedGen C0027672, MeSH D009386, MONDO:0015356.

Submissions (2):

Myriad Genetics, Inc.
Classification: Benign for Gastrointestinal stromal tumor. Last evaluated: 2026-06-05. Review status: criteria provided, single submitter. Criteria: Myriad Autosomal Dominant, Autosomal Recessive and X-Linked Classification Criteria (2023). Collection method: clinical testing. Allele origin: unknown.
Comment: This variant is considered benign. This variant is a silent/synonymous amino acid change and it is not expected to impact splicing.

Ambry Genetics
Classification: Likely benign for Hereditary cancer-predisposing syndrome. Last evaluated: 2023-10-24. Review status: criteria provided, single submitter. Criteria: Ambry Variant Classification Scheme 2023. Collection method: clinical testing. Allele origin: germline.